The following is an entry in ClinVar:

ClinVar aggregate classification (germline): Likely pathogenic (0 of 4 stars; one submission).

Conditions:
Meckel syndrome, type 1 (MKS1). Also called: MECKEL-GRUBER SYNDROME, TYPE 1. Identifiers: Orphanet 564, MedGen C3714506, MONDO:0009571, OMIM 249000.

Submission:

Juha Muilu Group; Institute for Molecular Medicine Finland (FIMM)
Classification: Likely pathogenic for Meckel syndrome type1. Review status: no assertion criteria provided. Collection method: not provided. Allele origin: unknown.
Comment: FinDis database variant: This variant was not found or characterized by our laboratory, data were collected from public sources: see reference
ClinVar note: Converted during submission from probable-pathogenic to Likely pathogenic.

NM_017777.4(MKS1):c.1048C>T (p.Gln350Ter)

Gene: MKS1 (MKS transition zone complex subunit 1; minus strand). Cytogenetic location: 17q22.
Variant type: single nucleotide variant.
Coding change: c.1048C>T on transcript NM_017777.4 (MANE Select); coding-DNA position 1048, C replaced by T.
Protein change: p.Gln350Ter; replaces glutamine 350 with a stop codon.
Molecular consequence: nonsense.
Genome position (GRCh38, 1-based): chr17:58,208,560, G>A on the plus strand (C>T on the coding strand, the complement: MKS1 is on the minus strand). VCF-style: chr17-58208560-G-A. GRCh37 (hg19) VCF-style: chr17-56285921-G-A.
Other names: c.439C>T, p.Gln147Ter (NM_001321268.2); c.1048C>T, p.Gln350Ter (NM_001321269.2, NM_001330397.2); short protein forms Q350*, Q147*.
Identifiers: ClinVar variation 56614 (VCV000056614.2), dbSNP rs386834041, ClinGen allele CA344738.